The following is an entry in ClinVar:

ClinVar aggregate classification (germline): Uncertain significance (1 of 4 stars; one submission).

Conditions:
Developmental and epileptic encephalopathy, 42 (DEE42A). Also called: DEVELOPMENTAL AND EPILEPTIC ENCEPHALOPATHY 42A; EPILEPTIC ENCEPHALOPATHY, EARLY INFANTILE, 42A; Epileptic encephalopathy, early infantile, 42. Identifiers: MedGen C4310716, MONDO:0014917, OMIM 617106.
Episodic ataxia type 2 (EA2). Also called: ACETAZOLAMIDE-RESPONSIVE HEREDITARY PAROXYSMAL CEREBELLAR ATAXIA; ATAXIA, EPISODIC, WITH NYSTAGMUS; ATAXIA, FAMILIAL PAROXYSMAL; CEREBELLAR ATAXIA, PAROXYSMAL, ACETAZOLAMIDE-RESPONSIVE; CEREBELLOPATHY, HEREDITARY PAROXYSMAL; EPISODIC ATAXIA, NYSTAGMUS-ASSOCIATED. Identifiers: Orphanet 97, MedGen C1720416, MONDO:0007163, OMIM 108500.

Submission:

Labcorp Genetics (formerly Invitae), Labcorp
Classification: Uncertain significance for Developmental and epileptic encephalopathy, 42; Episodic ataxia type 2. Last evaluated: 2024-02-23. Review status: criteria provided, single submitter. Criteria: Invitae Variant Classification Sherloc (09022015). Collection method: clinical testing. Allele origin: germline.
Comment: This sequence change replaces serine, which is neutral and polar, with cysteine, which is neutral and slightly polar, at codon 2183 of the CACNA1A protein (p.Ser2183Cys). This variant is not present in population databases (gnomAD no frequency). This variant has not been reported in the literature in individuals affected with CACNA1A-related conditions. Advanced modeling of protein sequence and biophysical properties (such as structural, functional, and spatial information, amino acid conservation, physicochemical variation, residue mobility, and thermodynamic stability) has been performed at Invitae for this missense variant, however the output from this modeling did not meet the statistical confidence thresholds required to predict the impact of this variant on CACNA1A protein function. In summary, the available evidence is currently insufficient to determine the role of this variant in disease. Therefore, it has been classified as a Variant of Uncertain Significance.

NM_001127222.2(CACNA1A):c.6544A>T (p.Ser2182Cys)

Gene: CACNA1A (calcium voltage-gated channel subunit alpha1 A; minus strand). Cytogenetic location: 19p13.13.
Variant type: single nucleotide variant.
Coding change: c.6544A>T on transcript NM_001127222.2 (MANE Select); coding-DNA position 6544, A replaced by T.
Protein change: p.Ser2182Cys; replaces serine 2182 with cysteine.
Molecular consequence: missense variant.
Genome position (GRCh38, 1-based): chr19:13,208,992, T>A on the plus strand (A>T on the coding strand, the complement: CACNA1A is on the minus strand). VCF-style: chr19-13208992-T-A. GRCh37 (hg19) VCF-style: chr19-13319806-T-A.
Other names: c.6547A>T, p.Ser2183Cys (NM_001127221.2); c.6553A>T, p.Ser2185Cys (NM_001174080.2); c.6562A>T, p.Ser2188Cys (NM_023035.3, NM_000068.4); short protein forms S2182C, S2188C, S2185C, S2183C.
Identifiers: ClinVar variation 2921784 (VCV002921784.3), dbSNP rs1404161703, ClinGen allele CA404330664.